The following is an entry in ClinVar:

NM_004525.3(LRP2):c.13610A>C (p.Gln4537Pro)

Gene: LRP2 (LDL receptor related protein 2; minus strand). Cytogenetic location: 2q31.1.
Variant type: single nucleotide variant.
Coding change: c.13610A>C on transcript NM_004525.3 (MANE Select); coding-DNA position 13610, A replaced by C.
Protein change: p.Gln4537Pro; replaces glutamine 4537 with proline.
Molecular consequence: missense variant.
Genome position (GRCh38, 1-based): chr2:169,137,402, T>G on the plus strand (A>C on the coding strand, the complement: LRP2 is on the minus strand). VCF-style: chr2-169137402-T-G. GRCh37 (hg19) VCF-style: chr2-169993912-T-G.
Other names: p.Gln4537Pro; short protein forms Q4537P.
Identifiers: ClinVar variation 211392 (VCV000211392.27), dbSNP rs188918037, ClinGen allele CA208121.

ClinVar aggregate classification (germline): Benign/Likely benign. Review status: criteria provided, multiple submitters, no conflicts (2 of 4 stars). 8 submissions from 8 submitters: Benign (4); Likely benign (3). 1 of the submissions does not count toward it. Last evaluated 2026-02-04.

Conditions:
LRP2-related disorder. Also called: LRP2-related condition.
Donnai-Barrow syndrome. Also called: DBS/FOAR SYNDROME; FACIOOCULOACOUSTICORENAL SYNDROME. Identifiers: Orphanet 2143, MedGen C1857277, MONDO:0009104, OMIM 222448.

Allele frequency attached by ClinVar (database versions not stated): gnomAD 0.00049 and 0.00052; gnomAD exomes 0.00074 and 0.00381; 1000 Genomes Project 30x 0.00078; 1000 Genomes Project 0.00080; TOPMed 0.00124; ExAC 0.00343.
gnomAD v4.1: 1,137 of 1,612,572 alleles (0.071%); highest among the groups gnomAD compares: Admixed American, 1.9%; 13 homozygotes.

Submissions (8):

Labcorp Genetics (formerly Invitae), Labcorp
Classification: Benign. Last evaluated: 2026-02-04. Review status: criteria provided, single submitter. Criteria: Invitae Variant Classification Sherloc (09022015). Collection method: clinical testing. Allele origin: germline.

Mayo Clinic Laboratories, Mayo Clinic
Classification: Benign. Last evaluated: 2025-01-22. Review status: criteria provided, single submitter. Criteria: ACMG Guidelines, 2015. Collection method: clinical testing. Allele origin: germline. Observed: 1 variant allele.
Comment: BS1, BS2, BP4_moderate

Genetic Services Laboratory, University of Chicago
Classification: Benign. Last evaluated: 2022-01-06. Review status: criteria provided, single submitter. Criteria: ACMG Guidelines, 2015. Collection method: clinical testing. Allele origin: germline. Affected: no.

Genome-Nilou Lab
Classification: Likely benign for Donnai-Barrow syndrome. Last evaluated: 2021-07-15. Review status: criteria provided, single submitter. Criteria: ACMG Guidelines, 2015. Collection method: clinical testing. Allele origin: germline. Affected: no.

Illumina Laboratory Services, Illumina
Classification: Benign for Donnai-Barrow syndrome. Last evaluated: 2018-01-12. Review status: criteria provided, single submitter. Criteria: ICSL Variant Classification Criteria 13 December 2019. Collection method: clinical testing. Allele origin: germline.
Comment: This variant was observed in the ICSL laboratory as part of a predisposition screen in an ostensibly healthy population. It had not been previously curated by ICSL or reported in the Human Gene Mutation Database (HGMD: prior to June 1st, 2018), and was therefore a candidate for classification through an automated scoring system. Utilizing variant allele frequency, disease prevalence and penetrance estimates, and inheritance mode, an automated score was calculated to assess if this variant is too frequent to cause the disease. Based on the score and internal cut-off values, a variant classified as benign is not then subjected to further curation. The score for this variant resulted in a classification of benign for this disease.

Center for Pediatric Genomic Medicine, Children's Mercy Hospital and Clinics
Classification: Likely benign. Last evaluated: 2016-12-30. Review status: criteria provided, single submitter. Criteria: ACMG Guidelines, 2015. Collection method: clinical testing. Allele origin: germline.
ClinVar note: Converted during submission from Likely Benign to Likely benign.

Breakthrough Genomics
Classification: Likely benign. Review status: criteria provided, single submitter. Criteria: ACMG Guidelines, 2015. Collection method: not provided. Allele origin: germline. Inheritance: Autosomal recessive inheritance. Affected: yes.

PreventionGenetics, part of Exact Sciences
Classification: Benign for LRP2-related condition. Last evaluated: 2019-09-09. Review status: no assertion criteria provided. Collection method: clinical testing. Allele origin: germline. Not counted in ClinVar's aggregate classification.
Comment: This variant is classified as benign based on ACMG/AMP sequence variant interpretation guidelines (Richards et al. 2015 PMID: 25741868, with internal and published modifications).